The following is an entry in ClinVar:

ClinVar aggregate classification (germline): Likely benign. Review status: criteria provided, multiple submitters, no conflicts (2 of 4 stars). 2 submissions from 2 submitters: Likely benign (2). Last evaluated 2024-08-12.

Conditions:
Inborn genetic diseases. Identifiers: MedGen C0950123, MeSH D030342.

Allele frequency attached by ClinVar (database versions not stated): TOPMed below 0.00001; gnomAD 0.00001 and 0.00003; gnomAD exomes 0.00002 and 0.00004; ExAC 0.00006.
gnomAD v4.1: 36 of 1,612,184 alleles (0.0022%); highest among the groups gnomAD compares: South Asian, 0.026%; 1 homozygote.

Submissions (2):

Ambry Genetics
Classification: Likely benign for Inborn genetic diseases. Last evaluated: 2024-08-12. Review status: criteria provided, single submitter. Criteria: Ambry Variant Classification Scheme 2023. Collection method: clinical testing. Allele origin: germline.

GeneDx
Classification: Likely benign. Last evaluated: 2016-02-16. Review status: criteria provided, single submitter. Criteria: GeneDx Variant Classification (06012015). Collection method: clinical testing. Allele origin: germline. Affected: yes.
Comment: This variant is considered likely benign or benign based on one or more of the following criteria: it is a conservative change, it occurs at a poorly conserved position in the protein, it is predicted to be benign by multiple in silico algorithms, and/or has population frequency not consistent with disease.

NM_133259.4(LRPPRC):c.1421A>G (p.Gln474Arg)

Gene: LRPPRC (leucine rich pentatricopeptide repeat containing; minus strand). Cytogenetic location: 2p21.
Variant type: single nucleotide variant.
Coding change: c.1421A>G on transcript NM_133259.4 (MANE Select); coding-DNA position 1421, A replaced by G.
Protein change: p.Gln474Arg; replaces glutamine 474 with arginine.
Molecular consequence: missense variant.
Genome position (GRCh38, 1-based): chr2:43,963,655, T>C on the plus strand (A>G on the coding strand, the complement: LRPPRC is on the minus strand). VCF-style: chr2-43963655-T-C. GRCh37 (hg19) VCF-style: chr2-44190794-T-C.
Other names: short protein forms Q474R.
Identifiers: ClinVar variation 382954 (VCV000382954.2), dbSNP rs201339004, ClinGen allele CA1638984.